The following is an entry in ClinVar:

ClinVar aggregate classification (germline): Uncertain significance. Review status: criteria provided, multiple submitters, no conflicts (2 of 4 stars). 3 submissions from 3 submitters: Uncertain significance (3). Last evaluated 2025-08-12.

Conditions:
Meckel-Gruber syndrome. Also called: DYSENCEPHALIA SPLANCHNOCYSTICA; GRUBER SYNDROME; Dysencephalia splachnocystica. Identifiers: Orphanet 564, MedGen C0265215, MONDO:0018921.
Joubert syndrome. Also called: Familial aplasia of the vermis; JOUBERT-BOLTSHAUSER SYNDROME. Identifiers: Orphanet 475, MedGen C5979921, MONDO:0018772.

Allele frequency attached by ClinVar (database versions not stated): ExAC 0.00001; gnomAD exomes 0.00001; TOPMed 0.00001.
gnomAD v4.1: 10 of 1,613,650 alleles (0.00062%); highest among the groups gnomAD compares: South Asian, 0.0011%; no homozygotes.

Submissions (3):

Labcorp Genetics (formerly Invitae), Labcorp
Classification: Uncertain significance for Joubert syndrome; Meckel-Gruber syndrome. Last evaluated: 2025-08-12. Review status: criteria provided, single submitter. Criteria: Invitae Variant Classification Sherloc (09022015). Collection method: clinical testing. Allele origin: germline.
Comment: This sequence change replaces isoleucine, which is neutral and non-polar, with valine, which is neutral and non-polar, at codon 181 of the MKS1 protein (p.Ile181Val). This variant is present in population databases (rs764242484, gnomAD 0.002%). This variant has not been reported in the literature in individuals affected with MKS1-related conditions. ClinVar contains an entry for this variant (Variation ID: 499067). Invitae Evidence Modeling of protein sequence and biophysical properties (such as structural, functional, and spatial information, amino acid conservation, physicochemical variation, residue mobility, and thermodynamic stability) indicates that this missense variant is not expected to disrupt MKS1 protein function with a negative predictive value of 80%. In summary, the available evidence is currently insufficient to determine the role of this variant in disease. Therefore, it has been classified as a Variant of Uncertain Significance.

Blueprint Genetics
Classification: Uncertain significance. Last evaluated: 2019-03-29. Review status: criteria provided, single submitter. Criteria: ACMG Guidelines, 2015. Collection method: clinical testing. Allele origin: germline.

Eurofins Ntd Llc (ga)
Classification: Uncertain significance. Last evaluated: 2016-12-05. Review status: criteria provided, single submitter. Criteria: EGL Classification Definitions 2015. Collection method: clinical testing. Allele origin: germline. Observed: 1 variant allele, 1 heterozygote.

NM_017777.4(MKS1):c.541A>G (p.Ile181Val)

Gene: MKS1 (MKS transition zone complex subunit 1; minus strand). Cytogenetic location: 17q22.
Variant type: single nucleotide variant.
Coding change: c.541A>G on transcript NM_017777.4 (MANE Select); coding-DNA position 541, A replaced by G.
Protein change: p.Ile181Val; replaces isoleucine 181 with valine.
Molecular consequence: missense variant. On other transcripts: 5 prime UTR variant (1).
Genome position (GRCh38, 1-based): chr17:58,214,362, T>C on the plus strand (A>G on the coding strand, the complement: MKS1 is on the minus strand). VCF-style: chr17-58214362-T-C. GRCh37 (hg19) VCF-style: chr17-56291723-T-C.
Other names: c.-69A>G (NM_001321268.2); c.541A>G, p.Ile181Val (NM_001321269.2, NM_001330397.2); short protein forms I181V.
Identifiers: ClinVar variation 499067 (VCV000499067.7), dbSNP rs764242484, ClinGen allele CA8669472.